The following is an entry in ClinVar:

NM_001401501.2(MUC16):c.38166T>C (p.Gly12722=)

Gene: MUC16 (mucin 16, cell surface associated; minus strand). Cytogenetic location: 19p13.2.
Variant type: single nucleotide variant.
Coding change: c.38166T>C on transcript NM_001401501.2 (MANE Select); coding-DNA position 38166, T replaced by C.
Protein change: p.Gly12722=; no amino-acid change (glycine 12722 retained).
Molecular consequence: synonymous variant.
Genome position (GRCh38, 1-based): chr19:8,906,339, A>G on the plus strand (T>C on the coding strand, the complement: MUC16 is on the minus strand). VCF-style: chr19-8906339-A-G. GRCh37 (hg19) VCF-style: chr19-9017015-A-G.
Other names: c.38592T>C, p.Gly12864= (NM_001414686.1); c.38046T>C, p.Gly12682= (NM_001414687.1); c.37980T>C, p.Gly12660= (NM_024690.2).
Identifiers: ClinVar variation 3038421 (VCV003038421.2), dbSNP rs1171948329, ClinGen allele CA505285199.
Genomic context (GRCh38, chr19:8,906,339, plus strand): 5'-CATCTGGACATGAGTTGAATACTCACTGCTGCTGGTGGGCACAGGGATCCAATGGGTGAA[A>G]CCTGCATAGAGAAGGAGGGAGGAGACTGGGTAAGGGTTAAGGAGATGTGGGGGACGCGAT-3'
Protein context (NP_001388430.1, residues 12712-12732): TLDRNSLYVN[Gly12722=]FTHWIPVPTS

ClinVar aggregate classification (germline): Likely benign (0 of 4 stars; one submission).

Conditions:
MUC16-related disorder. Also called: MUC16-related condition.

Submission:

PreventionGenetics, part of Exact Sciences
Classification: Likely benign for MUC16-related condition. Last evaluated: 2019-05-02. Review status: no assertion criteria provided. Collection method: clinical testing. Allele origin: germline.
Comment: This variant is classified as likely benign based on ACMG/AMP sequence variant interpretation guidelines (Richards et al. 2015 PMID: 25741868, with internal and published modifications).